The following is an entry in ClinVar:

NM_001351169.2(NT5C2):c.633+14G>A

Gene: NT5C2 (5'-nucleotidase, cytosolic II; minus strand). Cytogenetic location: 10q24.32.
Variant type: single nucleotide variant.
Coding change: c.633+14G>A on transcript NM_001351169.2 (MANE Select); 14 bases into the intron after coding-DNA position 633, G replaced by A.
Molecular consequence: intron variant.
Genome position (GRCh38, 1-based): chr10:103,099,912, C>T on the plus strand (G>A on the coding strand, the complement: NT5C2 is on the minus strand). VCF-style: chr10-103099912-C-T. GRCh37 (hg19) VCF-style: chr10-104859669-C-T.
Other names: c.546+14G>A (NM_001351174.1); c.60+14G>A (NM_001351191.1, NM_001351192.1, NM_001351193.1 and 16 more transcripts); c.-123+14G>A (NM_001351194.2, NM_001351195.2, NM_001351196.2); c.633+14G>A (NM_001134373.3, NM_012229.5); c.657+14G>A (NM_001351170.2, NM_001351171.2, NM_001351172.2 and 1 more transcripts); c.540+14G>A (NM_001351175.2).
Identifiers: ClinVar variation 515143 (VCV000515143.1), dbSNP rs1367610908, ClinGen allele CA471307168.
Genomic context (GRCh38, chr10:103,099,912, plus strand): 5'-CATTTGGAAAGTTAATGCCACGCCATAAAATACATGCCAGAAAGCAAGCAGGTGAAGAAA[C>T]AGCTTCTAGGTACCTTGTAATGAACCCAGTCAACAGCATCTCTTACATCCTGGAACATAC-3'

ClinVar aggregate classification (germline): Likely benign (1 of 4 stars; one submission).

Allele frequency attached by ClinVar (database versions not stated): gnomAD exomes 0.00001.
gnomAD v4.1: 9 of 1,545,500 alleles (0.00058%); highest among the groups gnomAD compares: Middle Eastern, 0.13%; no homozygotes.

Submission:

GeneDx
Classification: Likely benign. Last evaluated: 2018-02-05. Review status: criteria provided, single submitter. Criteria: GeneDx Variant Classification (06012015). Collection method: clinical testing. Allele origin: germline. Affected: yes.
Comment: This variant is considered likely benign or benign based on one or more of the following criteria: it is a conservative change, it occurs at a poorly conserved position in the protein, it is predicted to be benign by multiple in silico algorithms, and/or has population frequency not consistent with disease.